The following is an entry in ClinVar:

ClinVar aggregate classification (germline): Likely benign (1 of 4 stars; one submission).

Conditions:
Familial thoracic aortic aneurysm and aortic dissection (TAAD). Also called: Thoracic aortic aneurysms and dissections. Identifiers: Orphanet 91387, MedGen C4707243, MONDO:0019625.

Submission:

All of Us Research Program, National Institutes of Health
Classification: Likely benign for Familial thoracic aortic aneurysm and aortic dissection. Last evaluated: 2023-06-08. Review status: criteria provided, single submitter. Criteria: ACMG Guidelines, 2015. Collection method: clinical testing. Allele origin: germline. Inheritance: Autosomal dominant inheritance. Observed: 1 variant allele, 1 heterozygote.
Comment: This study involves interpretation of variants in research participants for the purpose of population health screening. Participant phenotype was not available at the time of variant classification. Additional details can be found in publication PMID: 35346344, PMCID: PMC8962531

NM_002474.3(MYH11):c.1249-5T>C

Gene: MYH11 (myosin heavy chain 11; minus strand). Cytogenetic location: 16p13.11.
Variant type: single nucleotide variant.
Coding change: c.1249-5T>C on transcript NM_002474.3 (MANE Select); 5 bases into the intron before coding-DNA position 1249, T replaced by C.
Molecular consequence: intron variant.
Genome position (GRCh38, 1-based): chr16:15,759,733, A>G on the plus strand (T>C on the coding strand, the complement: MYH11 is on the minus strand). VCF-style: chr16-15759733-A-G. GRCh37 (hg19) VCF-style: chr16-15853590-A-G.
Other names: c.1249-5T>C (NM_022844.3); c.1270-5T>C (NM_001040114.2, NM_001040113.2).
Identifiers: ClinVar variation 3071648 (VCV003071648.1), dbSNP rs2506400759, ClinGen allele CA2825002399.
Genomic context (GRCh38, chr16:15,759,733, plus strand): 5'-CAGCGGAAAAGGCGCTCATATGTTGCCTTGGCCAAAGCCTCTACAGCAAAGTCAGCCTGC[A>G]GAGGGCAACCAGGGGAACCCGGTTATTCTCAATGGGCTCCATTTTCACATAAGCCAGGCT-3'